The following is an entry in ClinVar:

NM_006922.4(SCN3A):c.5305G>C (p.Val1769Leu)

Gene: SCN3A (sodium voltage-gated channel alpha subunit 3; minus strand). Cytogenetic location: 2q24.3.
Variant type: single nucleotide variant.
Coding change: c.5305G>C on transcript NM_006922.4 (MANE Select); coding-DNA position 5305, G replaced by C.
Protein change: p.Val1769Leu; replaces valine 1769 with leucine.
Molecular consequence: missense variant.
Genome position (GRCh38, 1-based): chr2:165,090,848, C>G on the plus strand (G>C on the coding strand, the complement: SCN3A is on the minus strand). VCF-style: chr2-165090848-C-G. GRCh37 (hg19) VCF-style: chr2-165947358-C-G.
Other names: c.5158G>C, p.Val1720Leu (NM_001081676.2, NM_001081677.2); short protein forms V1720L, V1769L.
Identifiers: ClinVar variation 2817981 (VCV002817981.3), dbSNP rs2468039604, ClinGen allele CA349016026.
Genomic context (GRCh38, chr2:165,090,848, plus strand): 5'-CATCCTCACTCAGGGGCTCTGCACTTTCTTCAGTAGCAACACTGAAGTTCTCCAGGATGA[C>G]CGCGATGTACATGTTCACCACAACCAGGAAGGATATGATGATGTAACTGACAAAAAAGAA-3'
Protein context (NP_008853.3, residues 1759-1779): FLVVVNMYIA[Val1769Leu]ILENFSVATE

ClinVar aggregate classification (germline): Uncertain significance (1 of 4 stars; one submission).

Submission:

Labcorp Genetics (formerly Invitae), Labcorp
Classification: Uncertain significance. Last evaluated: 2022-12-02. Review status: criteria provided, single submitter. Criteria: Invitae Variant Classification Sherloc (09022015). Collection method: clinical testing. Allele origin: germline.
Comment: This sequence change replaces valine, which is neutral and non-polar, with leucine, which is neutral and non-polar, at codon 1769 of the SCN3A protein (p.Val1769Leu). This variant is not present in population databases (gnomAD no frequency). This variant has not been reported in the literature in individuals affected with SCN3A-related conditions. Advanced modeling of protein sequence and biophysical properties (such as structural, functional, and spatial information, amino acid conservation, physicochemical variation, residue mobility, and thermodynamic stability) has been performed at Invitae for this missense variant, however the output from this modeling did not meet the statistical confidence thresholds required to predict the impact of this variant on SCN3A protein function. This variant disrupts the p.Val1769 amino acid residue in SCN3A. Other variant(s) that disrupt this residue have been determined to be pathogenic (PMID: 29466837, 32515017). This suggests that this residue is clinically significant, and that variants that disrupt this residue are likely to be disease-causing. In summary, the available evidence is currently insufficient to determine the role of this variant in disease. Therefore, it has been classified as a Variant of Uncertain Significance.

Literature cited by the submitters: PubMed 29466837; PubMed 32515017.